The following is an entry in ClinVar:

NM_004360.5(CDH1):c.1574T>G (p.Ile525Ser)

Gene: CDH1 (cadherin 1; plus strand). Cytogenetic location: 16q22.1.
Variant type: single nucleotide variant.
Coding change: c.1574T>G on transcript NM_004360.5 (MANE Select); coding-DNA position 1574, T replaced by G.
Protein change: p.Ile525Ser; replaces isoleucine 525 with serine.
Molecular consequence: missense variant. On other transcripts: intron variant (1).
Genome position (GRCh38, 1-based): chr16:68,819,288, T>G. VCF-style: chr16-68819288-T-G. GRCh37 (hg19) VCF-style: chr16-68853191-T-G.
Other names: c.1391T>G, p.Ile464Ser (NM_001317184.2); c.26T>G, p.Ile9Ser (NM_001317185.2); c.-254-2713T>G (NM_001317186.2); short protein forms I464S, I525S, I9S.
Identifiers: ClinVar variation 4533071 (VCV004533071.1).

ClinVar aggregate classification (germline): Uncertain significance (1 of 4 stars; one submission).

Submission:

Quest Diagnostics Nichols Institute San Juan Capistrano
Classification: Uncertain significance. Last evaluated: 2025-08-05. Review status: criteria provided, single submitter. Criteria: Quest Diagnostics criteria. Collection method: clinical testing. Allele origin: unknown.
Comment: The CDH1 c.1574T>G (p.Ile525Ser) variant has not been reported in individuals with CDH1-related conditions in the published literature. This variant also has not been reported in large, multi-ethnic general populations (Genome Aggregation Database). Analysis of this variant using bioinformatics tools for the prediction of the effect of amino acid changes on protein structure and function yielded conflicting predictions that this variant is benign or damaging. Based on the available information, we are unable to determine the clinical significance of this variant.